The following is an entry in ClinVar:

ClinVar aggregate classification (germline): Uncertain significance. Review status: criteria provided, multiple submitters, no conflicts (2 of 4 stars). 4 submissions from 4 submitters: Uncertain significance (2). 2 of the submissions do not count toward it. Last evaluated 2025-11-28.

Conditions:
Arrhythmogenic right ventricular dysplasia 13. Also called: ARRHYTHMOGENIC RIGHT VENTRICULAR CARDIOMYOPATHY 13; Arrhythmogenic right ventricular dysplasia, familial, 13. Identifiers: MedGen C3810138, MONDO:0000908, OMIM 615616.

Allele frequency attached by ClinVar (database versions not stated): gnomAD 0.00001; gnomAD exomes 0.00001; TOPMed 0.00001.
gnomAD v4.1: 25 of 1,613,166 alleles (0.0015%); highest among the groups gnomAD compares: Non-Finnish European, 0.002%; no homozygotes.

Submissions (4):

Labcorp Genetics (formerly Invitae), Labcorp
Classification: Uncertain significance for Arrhythmogenic right ventricular dysplasia 13. Last evaluated: 2025-11-28. Review status: criteria provided, single submitter. Criteria: Invitae Variant Classification Sherloc (09022015). Collection method: clinical testing. Allele origin: germline.
Comment: This sequence change replaces valine, which is neutral and non-polar, with leucine, which is neutral and non-polar, at codon 151 of the CTNNA3 protein (p.Val151Leu). This variant is present in population databases (no rsID available, gnomAD 0.002%). This variant has not been reported in the literature in individuals affected with CTNNA3-related conditions. ClinVar contains an entry for this variant (Variation ID: 1284821). An algorithm developed to predict the effect of missense changes on protein structure and function outputs the following: PolyPhen-2: "Benign". The leucine amino acid residue is found in multiple mammalian species, which suggests that this missense change does not adversely affect protein function. In summary, the available evidence is currently insufficient to determine the role of this variant in disease. Therefore, it has been classified as a Variant of Uncertain Significance.

Ambry Genetics
Classification: Uncertain significance. Last evaluated: 2025-08-12. Review status: criteria provided, single submitter. Criteria: Ambry Variant Classification Scheme 2023. Collection method: clinical testing. Allele origin: germline.
Comment: The p.V151L variant (also known as c.451G>T), located in coding exon 3 of the CTNNA3 gene, results from a G to T substitution at nucleotide position 451. The valine at codon 151 is replaced by leucine, an amino acid with highly similar properties. This amino acid position is conserved. In addition, this alteration is predicted to be tolerated by in silico analysis. Since supporting evidence is limited at this time, the clinical significance of this alteration remains unclear.

Clinical Genetics, Academic Medical Center
Classification: Uncertain significance. Review status: no assertion criteria provided. Collection method: clinical testing. Allele origin: germline. Affected: yes. Study: VKGL Data-share Consensus. Not counted in ClinVar's aggregate classification.

Genome Diagnostics Laboratory, University Medical Center Utrecht
Classification: Uncertain significance. Review status: no assertion criteria provided. Collection method: clinical testing. Allele origin: germline. Affected: yes. Study: VKGL Data-share Consensus. Not counted in ClinVar's aggregate classification.

NM_013266.4(CTNNA3):c.451G>T (p.Val151Leu)

Gene: CTNNA3 (catenin alpha 3; minus strand). Cytogenetic location: 10q21.3.
Variant type: single nucleotide variant.
Coding change: c.451G>T on transcript NM_013266.4 (MANE Select); coding-DNA position 451, G replaced by T.
Protein change: p.Val151Leu; replaces valine 151 with leucine.
Molecular consequence: missense variant.
Genome position (GRCh38, 1-based): chr10:67,539,511, C>A on the plus strand (G>T on the coding strand, the complement: CTNNA3 is on the minus strand). VCF-style: chr10-67539511-C-A. GRCh37 (hg19) VCF-style: chr10-69299269-C-A.
Other names: c.451G>T, p.Val151Leu (NM_001127384.3); c.487G>T, p.Val163Leu (NM_001291133.2); c.451G>T (NM_013266.2); short protein forms V151L, V163L.
Identifiers: ClinVar variation 1284821 (VCV001284821.7), dbSNP rs1418212392, ClinGen allele CA377097720.
Genomic context (GRCh38, chr10:67,539,511, plus strand): 5'-GAAATTAGAAGTGAAGACAATGCCAAGGTAAACTAAGCCATCTTTTACTTACAGCTGACA[C>A]ATGTTGCAAGAGGCACATGACATCAATCATGTCCGCAAGGATAAGGAGTCTCGTCACCGC-3'
Protein context (NP_037398.2, residues 141-161): MIDVMCLLQH[Val151Leu]SAFQRTFESL